The following is an entry in ClinVar:

ClinVar aggregate classification (germline): Pathogenic (1 of 4 stars; one submission).

Submission:

GeneDx
Classification: Pathogenic. Last evaluated: 2018-02-21. Review status: criteria provided, single submitter. Criteria: GeneDx Variant Classification (06012015). Collection method: clinical testing. Allele origin: germline. Affected: yes.
Comment: The c.7726_7729delCCAA variant in the KMT2A gene has not been reported previously as a pathogenic variant nor as a benign variant, to our knowledge. The c.7726_7729delCCAA variant causes a frameshift starting with Proline 2576, changes this amino acid to an Alanine residue, and creates a premature Stop codon at position 25 of the new reading frame, denoted p.Pro2576AlafsX25. This variant is predicted to cause loss of normal protein function either through protein truncation or nonsense-mediated mRNA decay. The c.7726_7729delCCAA variant is not observed in large population cohorts (Lek et al., 2016). We interpret c.7726_7729delCCAA as a pathogenic variant.

NM_001197104.2(KMT2A):c.7726_7729del (p.Pro2576fs)

Gene: KMT2A (lysine methyltransferase 2A; plus strand). Cytogenetic location: 11q23.3.
Variant type: Microsatellite.
Coding change: c.7726_7729del on transcript NM_001197104.2 (MANE Select); coding-DNA positions 7726 to 7729, 4 bases deleted (CCAA; older notation c.7726_7729delCCAA).
Protein change: p.Pro2576fs; shifts the reading frame from proline 2576.
Molecular consequence: frameshift variant.
Genome position (GRCh38, 1-based): chr11:118,503,618-118,503,621, CCAA deleted; deleting any 4 consecutive bases within chr11:118,503,614-118,503,621 gives the same sequence; the c. name uses the placement nearest the transcript's 3' end. VCF-style (leftmost placement, unchanged base first): chr11-118503613-CCCAA-C. GRCh37 (hg19) VCF-style: chr11-118374328-CCCAA-C.
Other names: c.7726_7729delCCAA (NM_001197104.1); c.7717_7720del, p.Pro2573fs (NM_005933.4); short protein forms P2573fs, P2576fs.
Identifiers: ClinVar variation 504342 (VCV000504342.2), dbSNP rs1555046764, ClinGen allele CA658797810.
Genomic context (GRCh38, chr11:118,503,613, plus strand): 5'-AGTCAACATCTCCCACAGAACCAATTTCAGCCTCTGAAAATCCAGGAGATGGTCCAGTGG[CCCAA>C]CCAAGCCCCAATAATACCTCATGCCAGGATTCTCAAAGTAACAACTATCAGAATCTTCCA-3'